The following is an entry in ClinVar:

ClinVar aggregate classification (germline): Uncertain significance (1 of 4 stars; one submission).

Conditions:
Dystonic disorder. Also called: Dystonia. Identifiers: MedGen C0013421, MONDO:0003441, HP:0001332.

Submission:

Labcorp Genetics (formerly Invitae), Labcorp
Classification: Uncertain significance for Dystonic disorder. Last evaluated: 2023-07-17. Review status: criteria provided, single submitter. Criteria: Invitae Variant Classification Sherloc (09022015). Collection method: clinical testing. Allele origin: germline.
Comment: In summary, the available evidence is currently insufficient to determine the role of this variant in disease. Therefore, it has been classified as a Variant of Uncertain Significance. An algorithm developed to predict the effect of missense changes on protein structure and function (PolyPhen-2) suggests that this variant is likely to be disruptive. ClinVar contains an entry for this variant (Variation ID: 2141233). This variant has not been reported in the literature in individuals affected with CIZ1-related conditions. This sequence change replaces threonine, which is neutral and polar, with serine, which is neutral and polar, at codon 781 of the CIZ1 protein (p.Thr781Ser). This variant is not present in population databases (gnomAD no frequency).

NM_001131016.2(CIZ1):c.2342C>G (p.Thr781Ser)

Gene: CIZ1 (CDKN1A interacting zinc finger protein 1; minus strand). Cytogenetic location: 9q34.11.
Variant type: single nucleotide variant.
Coding change: c.2342C>G on transcript NM_001131016.2 (MANE Select); coding-DNA position 2342, C replaced by G.
Protein change: p.Thr781Ser; replaces threonine 781 with serine.
Molecular consequence: missense variant.
Genome position (GRCh38, 1-based): chr9:128,167,118, G>C on the plus strand (C>G on the coding strand, the complement: CIZ1 is on the minus strand). VCF-style: chr9-128167118-G-C. GRCh37 (hg19) VCF-style: chr9-130929397-G-C.
Other names: c.2174C>G, p.Thr725Ser (NM_001131015.2); c.2159C>G, p.Thr720Ser (NM_001131017.2); c.2102C>G, p.Thr701Ser (NM_001131018.2); c.2510C>G, p.Thr837Ser (NM_001257975.2); c.2039C>G, p.Thr680Ser (NM_001257976.2); c.2342C>G, p.Thr781Ser (NM_012127.3); short protein forms T680S, T781S, T837S, T720S, T725S, T701S.
Identifiers: ClinVar variation 2141233 (VCV002141233.4), dbSNP rs2538726807, ClinGen allele CA375016257.